The following is an entry in ClinVar:

ClinVar aggregate classification (germline): Uncertain significance. Review status: criteria provided, multiple submitters, no conflicts (2 of 4 stars). 2 submissions from 2 submitters: Uncertain significance (2). Last evaluated 2025-08-21.

Conditions:
Meckel-Gruber syndrome. Also called: Dysencephalia splachnocystica; DYSENCEPHALIA SPLANCHNOCYSTICA; GRUBER SYNDROME. Identifiers: Orphanet 564, MedGen C0265215, MONDO:0018921.
Joubert syndrome. Also called: Familial aplasia of the vermis; CEREBELLOPARENCHYMAL DISORDER IV; JOUBERT-BOLTSHAUSER SYNDROME. Identifiers: Orphanet 475, MedGen C5979921, MONDO:0018772.

Allele frequency attached by ClinVar (database versions not stated): gnomAD exomes below 0.00001 and 0.00001; ExAC 0.00001.
gnomAD v4.1: 6 of 1,613,978 alleles (0.00037%); highest among the groups gnomAD compares: Non-Finnish European, 0.00042%; no homozygotes.

Submissions (2):

Labcorp Genetics (formerly Invitae), Labcorp
Classification: Uncertain significance for Joubert syndrome; Meckel-Gruber syndrome. Last evaluated: 2025-08-21. Review status: criteria provided, single submitter. Criteria: Invitae Variant Classification Sherloc (09022015). Collection method: clinical testing. Allele origin: germline.
Comment: This sequence change replaces asparagine, which is neutral and polar, with aspartic acid, which is acidic and polar, at codon 1159 of the RPGRIP1L protein (p.Asn1159Asp). This variant is present in population databases (rs774549370, gnomAD 0.002%). This variant has not been reported in the literature in individuals affected with RPGRIP1L-related conditions. ClinVar contains an entry for this variant (Variation ID: 546275). Invitae Evidence Modeling of protein sequence and biophysical properties (such as structural, functional, and spatial information, amino acid conservation, physicochemical variation, residue mobility, and thermodynamic stability) indicates that this missense variant is not expected to disrupt RPGRIP1L protein function with a negative predictive value of 80%. In summary, the available evidence is currently insufficient to determine the role of this variant in disease. Therefore, it has been classified as a Variant of Uncertain Significance.

GeneDx
Classification: Uncertain significance. Last evaluated: 2018-05-17. Review status: criteria provided, single submitter. Criteria: GeneDx Variant Classification (06012015). Collection method: clinical testing. Allele origin: germline. Affected: yes.
Comment: The N1159D variant in the RPGRIP1L gene has not been reported previously as a pathogenic variant, nor as a benign variant, to our knowledge. The N1159D variant is not observed at a significant frequency in large population cohorts (Lek et al., 2016). The N1159D variant is a semi-conservative amino acid substitution, which may impact secondary protein structure as these residues differ in some properties. In silico analyses, including protein predictors and evolutionary conservation, support that this variant does not alter protein structure/function. We interpret N1159D as a variant of uncertain significance.

NM_015272.5(RPGRIP1L):c.3475A>G (p.Asn1159Asp)

Gene: RPGRIP1L (RPGRIP1 like; minus strand). Cytogenetic location: 16q12.2.
Variant type: single nucleotide variant.
Coding change: c.3475A>G on transcript NM_015272.5 (MANE Select); coding-DNA position 3475, A replaced by G.
Protein change: p.Asn1159Asp; replaces asparagine 1159 with aspartic acid.
Molecular consequence: missense variant.
Genome position (GRCh38, 1-based): chr16:53,619,166, T>C on the plus strand (A>G on the coding strand, the complement: RPGRIP1L is on the minus strand). VCF-style: chr16-53619166-T-C. GRCh37 (hg19) VCF-style: chr16-53653078-T-C.
Other names: c.3235A>G, p.Asn1079Asp (NM_001127897.4); c.3337A>G, p.Asn1113Asp (NM_001308334.3); c.3373A>G, p.Asn1125Asp (NM_001330538.2); short protein forms N1079D, N1159D, N1113D, N1125D.
Identifiers: ClinVar variation 546275 (VCV000546275.12), dbSNP rs774549370, ClinGen allele CA8057276.
Genomic context (GRCh38, chr16:53,619,166, plus strand): 5'-AGAATCGACACTCAACAAACAGCCGTTGGATAGTGTCATCCATGGTTACTTGAGAATCAT[T>C]AAGGCTTAGAGCTATGATCTCAATCCGAATTTTTTCTGATGGCTGTTTAAAGAGCAAAAA-3'
Protein context (NP_056087.2, residues 1149-1169): IRIEIIALSL[Asn1159Asp]DSQVTMDDTI